The following is an entry in ClinVar:

ClinVar aggregate classification (germline): Uncertain significance (1 of 4 stars; one submission).

gnomAD v4.1: 7 of 1,613,684 alleles (0.00043%); highest among the groups gnomAD compares: Admixed American, 0.012%; no homozygotes.

Submission:

GeneDx
Classification: Uncertain significance. Last evaluated: 2023-06-15. Review status: criteria provided, single submitter. Criteria: GeneDx Variant Classification Process June 2021. Collection method: clinical testing. Allele origin: germline. Affected: yes.
Comment: In silico analysis supports that this missense variant has a deleterious effect on protein structure/function; Has not been previously published as pathogenic or benign to our knowledge

NM_017951.5(SMPD4):c.1172A>G (p.Asp391Gly)

Gene: SMPD4 (sphingomyelin phosphodiesterase 4; minus strand). Cytogenetic location: 2q21.1.
Variant type: single nucleotide variant.
Coding change: c.1172A>G on transcript NM_017951.5 (MANE Select); coding-DNA position 1172, A replaced by G.
Protein change: p.Asp391Gly; replaces aspartic acid 391 with glycine.
Molecular consequence: missense variant. On other transcripts: non-coding transcript variant (2).
Genome position (GRCh38, 1-based): chr2:130,156,601, T>C on the plus strand (A>G on the coding strand, the complement: SMPD4 is on the minus strand). VCF-style: chr2-130156601-T-C. GRCh37 (hg19) VCF-style: chr2-130914174-T-C.
Other names: c.983A>G, p.Asp328Gly (NM_001171083.2); c.1202A>G, p.Asp401Gly (NM_017751.4); short protein forms D328G, D391G, D401G.
Identifiers: ClinVar variation 3359810 (VCV003359810.1).
Genomic context (GRCh38, chr2:130,156,601, plus strand): 5'-CACACAGAGGACACAGGCACACGTGTGACGGGGCCAACACTCACAGCTCTGAACGATGCG[T>C]CCAGGGGCCAGTGGCCAAAGCAATGCTGCAAGAAGAGGTAGAGTTTCTGCTGGACGAACC-3'
Protein context (NP_060421.3, residues 381-401): LQHCFGHWPL[Asp391Gly]ASFRAVLEMW